The following is an entry in ClinVar:

ClinVar aggregate classification (germline): Pathogenic (1 of 4 stars; one submission).

Conditions:
Achromatopsia 3 (ACHM3). Also called: ACHROMATOPSIA WITH MYOPIA; PINGELAPESE BLINDNESS; TOTAL COLORBLINDNESS WITH MYOPIA; ROD MONOCHROMACY 1; ROD MONOCHROMATISM 1. Identifiers: Orphanet 49382, MedGen C1849792, MONDO:0009875, OMIM 262300.

Submission:

Myriad Genetics, Inc.
Classification: Pathogenic for Achromatopsia 3. Last evaluated: 2024-08-29. Review status: criteria provided, single submitter. Criteria: Myriad Autosomal Dominant, Autosomal Recessive and X-Linked Classification Criteria (2023). Collection method: clinical testing. Allele origin: unknown.
Comment: NM_019098.4(CNGB3):c.1736_1737del2ins19(K579Tfs*12) is expected to be pathogenic in the context of achromatopsia, CNGB3-related. This variant is predicted to lead to an abnormal or absent protein product due to the creation of a premature termination codon in CNGB3, a gene where loss-of-function variants are known to be pathogenic. Please note: this variant was assessed in the context of healthy population screening.

NM_019098.5(CNGB3):c.1736_1737delinsCACCAGAGGTAATAAACTG (p.Lys579fs)

Gene: CNGB3 (cyclic nucleotide gated channel subunit beta 3; minus strand). Cytogenetic location: 8q21.3.
Variant type: Indel.
Coding change: c.1736_1737delinsCACCAGAGGTAATAAACTG on transcript NM_019098.5 (MANE Select); coding-DNA positions 1736 to 1737, AA replaced by CACCAGAGGTAATAAACTG.
Protein change: p.Lys579fs; shifts the reading frame from lysine 579.
Molecular consequence: frameshift variant.
Genome position (GRCh38, 1-based): chr8:86,604,137-86,604,138, TT replaced by CAGTTTATTACCTCTGGTG on the plus strand (AA replaced by CACCAGAGGTAATAAACTG on the coding strand, the reverse complement: CNGB3 is on the minus strand). VCF-style: chr8-86604137-TT-CAGTTTATTACCTCTGGTG. GRCh37 (hg19) VCF-style: chr8-87616365-TT-CAGTTTATTACCTCTGGTG.
Other names: short protein forms K579fs.
Identifiers: ClinVar variation 5013503 (VCV005013503.1).